The following is an entry in ClinVar:

ClinVar aggregate classification (germline): Likely benign. Review status: criteria provided, multiple submitters, no conflicts (2 of 4 stars). 2 submissions from 2 submitters: Likely benign (2). Last evaluated 2025-09-19.

Conditions:
FANCI-related disorder. Also called: FANCI-related condition.
Fanconi anemia (FA). Also called: Fanconi's anemia. Identifiers: Orphanet 84, MedGen C0015625, MeSH D005199, MONDO:0019391.

Submissions (2):

Labcorp Genetics (formerly Invitae), Labcorp
Classification: Likely benign for Fanconi anemia. Last evaluated: 2025-09-19. Review status: criteria provided, single submitter. Criteria: Invitae Variant Classification Sherloc (09022015). Collection method: clinical testing. Allele origin: germline.

PreventionGenetics, part of Exact Sciences
Classification: Likely benign for FANCI-related condition. Last evaluated: 2024-10-15. Review status: criteria provided, single submitter. Criteria: ACMG Guidelines, 2015. Collection method: clinical testing. Allele origin: germline.
Comment: This variant is classified as likely benign based on ACMG/AMP sequence variant interpretation guidelines (Richards et al. 2015 PMID: 25741868, with internal and published modifications).

NM_001113378.2(FANCI):c.2292-4A>C

Gene: FANCI (FA complementation group I; plus strand). Cytogenetic location: 15q26.1.
Variant type: single nucleotide variant.
Coding change: c.2292-4A>C on transcript NM_001113378.2 (MANE Select); 4 bases into the intron before coding-DNA position 2292, A replaced by C.
Molecular consequence: intron variant.
Genome position (GRCh38, 1-based): chr15:89,293,829, A>C. VCF-style: chr15-89293829-A-C. GRCh37 (hg19) VCF-style: chr15-89837060-A-C.
Other names: c.2292-4A>C (NM_018193.3, NM_001376911.1, NM_001113378.1); c.2013-4A>C (NM_001376910.1).
Identifiers: ClinVar variation 4727428 (VCV004727428.2).